The following is an entry in ClinVar:

NM_152703.5(SAMD9L):c.188del (p.Gly63fs)

Gene: SAMD9L (sterile alpha motif domain containing 9 like; minus strand). Cytogenetic location: 7q21.2.
Variant type: Deletion.
Coding change: c.188del on transcript NM_152703.5 (MANE Select); coding-DNA position 188, one base deleted (G; older notation c.188delG).
Protein change: p.Gly63fs; shifts the reading frame from glycine 63.
Molecular consequence: frameshift variant.
Genome position (GRCh38, 1-based): chr7:93,135,784, C deleted on the plus strand (G on the coding strand, the reverse complement: SAMD9L is on the minus strand); the first of 4 consecutive C bases (chr7:93,135,784-93,135,787); deleting any one gives the same sequence. VCF-style (leftmost placement, unchanged base first): chr7-93135783-AC-A. GRCh37 (hg19) VCF-style: chr7-92765096-AC-A.
Other names: c.188del, p.Gly63fs (NM_001303496.3, NM_001303497.3, NM_001303498.3 and 5 more transcripts); short protein forms G63fs.
Identifiers: ClinVar variation 5003002 (VCV005003002.1).

ClinVar aggregate classification (germline): Uncertain significance (1 of 4 stars; one submission).

Conditions:
Spinocerebellar ataxia 49 (SCA49). Identifiers: Orphanet 631106, MedGen C5676950, MONDO:0030805, OMIM 619806.

Submission:

OLLIN Analises Genomicas, OLLIN
Classification: Uncertain significance for Spinocerebellar ataxia 49. Last evaluated: 2026-08-06. Review status: criteria provided, single submitter. Criteria: ACMG Guidelines 2015 PMID 25741868. Collection method: clinical testing. Allele origin: germline. Inheritance: Autosomal dominant inheritance.
Comment: This frameshift variant, located in exon 5 (of 5), is absent from gnomAD and ClinVar and has not been identified in the literature. This variant causes a frameshift and introduces a premature stop codon, which is predicted to result in either a truncated protein or degradation of the mRNA via nonsense-mediated decay (NMD). According to the currently available evidence, this variant has been classified as uncertain significance (PVS1_S, PM2_P).